The following is an entry in ClinVar:

NM_001613.4(ACTA2):c.281A>G (p.Asn94Ser)

Gene: ACTA2 (actin alpha 2, smooth muscle; minus strand). Cytogenetic location: 10q23.31.
Variant type: single nucleotide variant.
Coding change: c.281A>G on transcript NM_001613.4 (MANE Select); coding-DNA position 281, A replaced by G.
Protein change: p.Asn94Ser; replaces asparagine 94 with serine.
Molecular consequence: missense variant.
Genome position (GRCh38, 1-based): chr10:88,943,885, T>C on the plus strand (A>G on the coding strand, the complement: ACTA2 is on the minus strand). VCF-style: chr10-88943885-T-C. GRCh37 (hg19) VCF-style: chr10-90703642-T-C.
Other names: c.281A>G, p.Asn94Ser (NM_001141945.3, NM_001320855.2, NM_001406462.1 and 3 more transcripts); c.152A>G, p.Asn51Ser (NM_001406467.1, NM_001406468.1, NM_001406469.1); short protein forms N94S, N51S.
Identifiers: ClinVar variation 1171477 (VCV001171477.10), dbSNP rs756569259, ClinGen allele CA027309.
Genomic context (GRCh38, chr10:88,943,885, plus strand): 5'-GGGTTCAGGGGTGCCTCCGTGAGCAGGGTGGGATGCTCTTCAGGGGCAACACGAAGCTCA[T>C]TGTAGAAAGAGTGGTGCCAGATCTAGTGAGTTGGGGGACAGAGGAGAAACACAATGATGT-3'
Protein context (NP_001604.1, residues 84-104): MEKIWHHSFY[Asn94Ser]ELRVAPEEHP

ClinVar aggregate classification (germline): Uncertain significance. Review status: criteria provided, multiple submitters, no conflicts (2 of 4 stars). 5 submissions from 5 submitters: Uncertain significance (5). Last evaluated 2025-10-30.

Conditions:
Aortic aneurysm, familial thoracic 6 (AAT6). Also called: FAMILIAL THORACIC AORTIC ANEURYSM WITH LIVEDO RETICULARIS AND IRIS FLOCCULI. Identifiers: MedGen C2673186, MONDO:0012730, OMIM 611788.
Familial thoracic aortic aneurysm and aortic dissection (TAAD). Also called: Thoracic aortic aneurysms and dissections. Identifiers: Orphanet 91387, MedGen C4707243, MONDO:0019625.

Allele frequency attached by ClinVar (database versions not stated): ExAC 0.00001; gnomAD 0.00001; gnomAD exomes 0.00001; TOPMed 0.00001.

Submissions (5):

Ambry Genetics
Classification: Uncertain significance for Familial thoracic aortic aneurysm and aortic dissection. Last evaluated: 2025-10-30. Review status: criteria provided, single submitter. Criteria: Ambry Variant Classification Scheme 2023. Collection method: clinical testing. Allele origin: germline.
Comment: The p.N94S variant (also known as c.281A>G), located in coding exon 3 of the ACTA2 gene, results from an A to G substitution at nucleotide position 281. The asparagine at codon 94 is replaced by serine, an amino acid with highly similar properties. This amino acid position is highly conserved in available vertebrate species. In addition, the in silico prediction for this alteration is inconclusive. Based on the available evidence, the clinical significance of this variant remains unclear.

GeneDx
Classification: Uncertain significance. Last evaluated: 2025-03-25. Review status: criteria provided, single submitter. Criteria: GeneDx Variant Classification Process June 2021. Collection method: clinical testing. Allele origin: germline. Affected: yes.
Comment: Not observed at significant frequency in large population cohorts (gnomAD); In silico analysis supports that this missense variant has a deleterious effect on protein structure/function; In silico analysis supports a deleterious effect on splicing; Has not been previously published as pathogenic or benign to our knowledge

Labcorp Genetics (formerly Invitae), Labcorp
Classification: Uncertain significance for Aortic aneurysm, familial thoracic 6. Last evaluated: 2025-02-23. Review status: criteria provided, single submitter. Criteria: Invitae Variant Classification Sherloc (09022015). Collection method: clinical testing. Allele origin: germline.
Comment: This sequence change replaces asparagine, which is neutral and polar, with serine, which is neutral and polar, at codon 94 of the ACTA2 protein (p.Asn94Ser). This variant is present in population databases (rs756569259, gnomAD 0.004%). This variant has not been reported in the literature in individuals affected with ACTA2-related conditions. ClinVar contains an entry for this variant (Variation ID: 1171477). Invitae Evidence Modeling of protein sequence and biophysical properties (such as structural, functional, and spatial information, amino acid conservation, physicochemical variation, residue mobility, and thermodynamic stability) indicates that this missense variant is not expected to disrupt ACTA2 protein function with a negative predictive value of 80%. Algorithms developed to predict the effect of sequence changes on RNA splicing suggest that this variant may disrupt the consensus splice site. In summary, the available evidence is currently insufficient to determine the role of this variant in disease. Therefore, it has been classified as a Variant of Uncertain Significance.

Color Diagnostics, LLC DBA Color Health
Classification: Uncertain significance for Familial thoracic aortic aneurysm and aortic dissection. Last evaluated: 2024-03-07. Review status: criteria provided, single submitter. Criteria: ACMG Guidelines, 2015. Collection method: clinical testing. Allele origin: germline.
Comment: This missense variant replaces asparagine with serine at codon 94 of the ACTA2 protein. Computational prediction suggests that this variant may have deleterious impact on protein structure and function (internally defined REVEL score threshold >= 0.7, PMID: 27666373). To our knowledge, functional studies have not been reported for this variant. This variant has not been reported in individuals affected with ACTA2-related disorders in the literature. This variant has been identified in 3/282360 chromosomes in the general population by the Genome Aggregation Database (gnomAD). The available evidence is insufficient to determine the role of this variant in disease conclusively. Therefore, this variant is classified as a Variant of Uncertain Significance.

All of Us Research Program, National Institutes of Health
Classification: Uncertain significance for Familial thoracic aortic aneurysm and aortic dissection. Last evaluated: 2023-11-02. Review status: criteria provided, single submitter. Criteria: ACMG Guidelines, 2015. Collection method: clinical testing. Allele origin: germline. Inheritance: Autosomal dominant inheritance. Observed: 1 variant allele, 1 heterozygote.
Comment: This missense variant replaces asparagine with serine at codon 94 of the ACTA2 protein. Computational prediction suggests that this variant may have deleterious impact on protein structure and function (internally defined REVEL score threshold >= 0.7, PMID: 27666373). Splice site prediction tools are inconclusive regarding the impact of this variant on RNA splicing. To our knowledge, functional studies have not been reported for this variant. This variant has not been reported in individuals affected with cardiovascular disorders in the literature. This variant has been identified in 3/282360 chromosomes in the general population by the Genome Aggregation Database (gnomAD). The available evidence is insufficient to determine the role of this variant in disease conclusively. Therefore, this variant is classified as a Variant of Uncertain Significance.

This study involves interpretation of variants in research participants for the purpose of population health screening. Participant phenotype was not available at the time of variant classification. Additional details can be found in publication PMID: 35346344, PMCID: PMC8962531